The following is an entry in ClinVar:

ClinVar aggregate classification (germline): Uncertain significance (1 of 4 stars; one submission).

Submission:

CeGaT Center for Human Genetics Tuebingen
Classification: Uncertain significance. Last evaluated: 2023-01-01. Review status: criteria provided, single submitter. Criteria: CeGaT Center For Human Genetics Tuebingen Variant Classification Criteria Version 2. Collection method: clinical testing. Allele origin: germline. Affected: yes. Observed: 1 variant allele.
Comment: DNMT1: PM2, BP4

NM_001130823.3(DNMT1):c.804-8T>C

Gene: DNMT1 (DNA methyltransferase 1; minus strand). Cytogenetic location: 19p13.2.
Variant type: single nucleotide variant.
Coding change: c.804-8T>C on transcript NM_001130823.3 (MANE Select); 8 bases into the intron before coding-DNA position 804, T replaced by C.
Molecular consequence: intron variant.
Genome position (GRCh38, 1-based): chr19:10,166,693, A>G on the plus strand (T>C on the coding strand, the complement: DNMT1 is on the minus strand). VCF-style: chr19-10166693-A-G. GRCh37 (hg19) VCF-style: chr19-10277369-A-G.
Other names: c.441-8T>C (NM_001318731.2); c.756-8T>C (NM_001379.4, NM_001318730.2).
Identifiers: ClinVar variation 2498751 (VCV002498751.28), dbSNP rs2513855356, ClinGen allele CA2580096164.